The following is an entry in ClinVar:

ClinVar aggregate classification (germline): Uncertain significance (1 of 4 stars; one submission).

Allele frequency attached by ClinVar (database versions not stated): gnomAD 0.00001; gnomAD exomes 0.00002; TOPMed 0.00008.
gnomAD v4.1: 26 of 1,537,544 alleles (0.0017%); highest among the groups gnomAD compares: Admixed American, 0.026%; no homozygotes.

Submission:

GeneDx
Classification: Uncertain significance. Last evaluated: 2023-10-14. Review status: criteria provided, single submitter. Criteria: GeneDx Variant Classification Process June 2021. Collection method: clinical testing. Allele origin: germline. Affected: yes.
Comment: Nonsense variant predicted to result in protein truncation or nonsense mediated decay in a gene or region of a gene for which loss of function is not a well-established mechanism of disease; Has not been previously published as pathogenic or benign to our knowledge

NM_001367479.1(DNAH14):c.8344C>T (p.Arg2782Ter)

Gene: DNAH14 (dynein axonemal heavy chain 14; plus strand). Cytogenetic location: 1q42.12.
Variant type: single nucleotide variant.
Coding change: c.8344C>T on transcript NM_001367479.1 (MANE Select); coding-DNA position 8344, C replaced by T.
Protein change: p.Arg2782Ter; replaces arginine 2782 with a stop codon.
Molecular consequence: nonsense.
Genome position (GRCh38, 1-based): chr1:225,289,957, C>T. VCF-style: chr1-225289957-C-T. GRCh37 (hg19) VCF-style: chr1-225477659-C-T.
Other names: NM_001373.1:c.8065C>T; short protein forms R2782*.
Identifiers: ClinVar variation 3252612 (VCV003252612.1), dbSNP rs976988963.